The following is an entry in ClinVar:

ClinVar aggregate classification (germline): Pathogenic (1 of 4 stars; one submission).

Conditions:
Juvenile polyposis syndrome (JPS). Identifiers: Orphanet 2929, MedGen C0345893, MONDO:0017380, OMIM 174900.

Submission:

Labcorp Genetics (formerly Invitae), Labcorp
Classification: Pathogenic for Juvenile polyposis syndrome. Last evaluated: 2020-06-13. Review status: criteria provided, single submitter. Criteria: Invitae Variant Classification Sherloc (09022015). Collection method: clinical testing. Allele origin: germline.
Comment: For these reasons, this variant has been classified as Pathogenic. Loss-of-function variants in BMPR1A are known to be pathogenic (PMID: 11536076, 12417513). This variant has not been reported in the literature in individuals with BMPR1A-related conditions. This variant is not present in population databases (ExAC no frequency). This sequence change creates a premature translational stop signal (p.Trp271Cysfs*12) in the BMPR1A gene. It is expected to result in an absent or disrupted protein product.

Literature cited by the submitters: PubMed 11536076; PubMed 12417513.

NM_004329.3(BMPR1A):c.813del (p.Trp271fs)

Gene: BMPR1A (bone morphogenetic protein receptor type 1A; plus strand). Cytogenetic location: 10q23.2.
Variant type: Deletion.
Coding change: c.813del on transcript NM_004329.3 (MANE Select); coding-DNA position 813, one base deleted (G; older notation c.813delG).
Protein change: p.Trp271fs; shifts the reading frame from tryptophan 271.
Molecular consequence: frameshift variant.
Genome position (GRCh38, 1-based): chr10:86,917,271, G deleted; the last of 2 consecutive G bases (chr10:86,917,270-86,917,271); deleting either gives the same sequence. VCF-style (leftmost placement, unchanged base first): chr10-86917269-TG-T. GRCh37 (hg19) VCF-style: chr10-88677026-TG-T.
Other names: short protein forms W271fs.
Identifiers: ClinVar variation 1075317 (VCV001075317.7), dbSNP rs2133577022, ClinGen allele CA2499220427.